The following is an entry in ClinVar:

ClinVar aggregate classification (germline): Uncertain significance. Review status: criteria provided, multiple submitters, no conflicts (2 of 4 stars). 2 submissions from 2 submitters: Uncertain significance (2). Last evaluated 2025-05-05.

Conditions:
Hereditary nonpolyposis colorectal neoplasms. Identifiers: MedGen C0009405, MeSH D003123.
Hereditary cancer-predisposing syndrome. Also called: Neoplastic Syndromes, Hereditary; Hereditary Cancer Syndrome; Hereditary neoplastic syndrome; Tumor predisposition. Identifiers: Orphanet 140162, MedGen C0027672, MeSH D009386, MONDO:0015356.

Submissions (2):

Ambry Genetics
Classification: Uncertain significance for Hereditary cancer-predisposing syndrome. Last evaluated: 2025-05-05. Review status: criteria provided, single submitter. Criteria: Ambry Variant Classification Scheme 2023. Collection method: clinical testing. Allele origin: germline.
Comment: The p.R379T variant (also known as c.1136G>C), located in coding exon 4 of the MSH6 gene, results from a G to C substitution at nucleotide position 1136. The arginine at codon 379 is replaced by threonine, an amino acid with similar properties. This amino acid position is not well conserved in available vertebrate species. In addition, the in silico prediction for this alteration is inconclusive. Based on the available evidence, the clinical significance of this variant remains unclear.

Labcorp Genetics (formerly Invitae), Labcorp
Classification: Uncertain significance for Hereditary nonpolyposis colorectal neoplasms. Last evaluated: 2023-03-07. Review status: criteria provided, single submitter. Criteria: Invitae Variant Classification Sherloc (09022015). Collection method: clinical testing. Allele origin: germline.
Comment: This variant has not been reported in the literature in individuals affected with MSH6-related conditions. This variant is not present in population databases (gnomAD no frequency). This sequence change replaces arginine, which is basic and polar, with threonine, which is neutral and polar, at codon 379 of the MSH6 protein (p.Arg379Thr). In summary, the available evidence is currently insufficient to determine the role of this variant in disease. Therefore, it has been classified as a Variant of Uncertain Significance. Advanced modeling of protein sequence and biophysical properties (such as structural, functional, and spatial information, amino acid conservation, physicochemical variation, residue mobility, and thermodynamic stability) performed at Invitae indicates that this missense variant is not expected to disrupt MSH6 protein function.

NM_000179.3(MSH6):c.1136G>C (p.Arg379Thr)

Gene: MSH6 (mutS homolog 6; plus strand). Cytogenetic location: 2p16.3.
Variant type: single nucleotide variant.
Coding change: c.1136G>C on transcript NM_000179.3 (MANE Select); coding-DNA position 1136, G replaced by C.
Protein change: p.Arg379Thr; replaces arginine 379 with threonine.
Molecular consequence: missense variant. On other transcripts: non-coding transcript variant (4), intron variant (1).
Genome position (GRCh38, 1-based): chr2:47,799,119, G>C. VCF-style: chr2-47799119-G-C. GRCh37 (hg19) VCF-style: chr2-48026258-G-C.
Other names: c.746G>C, p.Arg249Thr (NM_001281492.2); c.230G>C, p.Arg77Thr (NM_001281493.2, NM_001281494.2, NM_001406811.1 and 6 more transcripts); c.1232G>C, p.Arg411Thr (NM_001406795.1, NM_001406802.1); c.1136G>C, p.Arg379Thr (NM_001406796.1, NM_001406798.1, NM_001406800.1 and 4 more transcripts); c.839G>C, p.Arg280Thr (NM_001406797.1, NM_001406801.1, NM_001406805.1 and 10 more transcripts); c.611G>C, p.Arg204Thr (NM_001406799.1, NM_001406806.1, NM_001406807.1); c.1058G>C, p.Arg353Thr (NM_001406804.1); c.1142G>C, p.Arg381Thr (NM_001406813.1); and 2 more; short protein forms R204T, R249T, R323T, R379T, R411T, R77T, R353T, R381T.
Identifiers: ClinVar variation 2843260 (VCV002843260.4), dbSNP rs1669298589, ClinGen allele CA346742120.